The following is an entry in ClinVar:

ClinVar aggregate classification (germline): Conflicting classifications of pathogenicity. Review status: criteria provided, conflicting classifications (1 of 4 stars). 3 submissions from 3 submitters: Uncertain significance (2); Likely benign (1). Last evaluated 2025-05-04.

Conditions:
MSH6-related disorder. Also called: MSH6-related condition; MSH6-Related disorders.
Hereditary nonpolyposis colorectal neoplasms. Identifiers: MedGen C0009405, MeSH D003123.
Hereditary cancer-predisposing syndrome. Also called: Hereditary Cancer Syndrome; Hereditary neoplastic syndrome; Neoplastic Syndromes, Hereditary; Tumor predisposition. Identifiers: Orphanet 140162, MedGen C0027672, MeSH D009386, MONDO:0015356.

Allele frequency attached by ClinVar (database versions not stated): gnomAD exomes below 0.00001; ExAC 0.00001.

Submissions (3):

Labcorp Genetics (formerly Invitae), Labcorp
Classification: Likely benign for Hereditary nonpolyposis colorectal neoplasms. Last evaluated: 2025-05-04. Review status: criteria provided, single submitter. Criteria: Invitae Variant Classification Sherloc (09022015). Collection method: clinical testing. Allele origin: germline.

Color Diagnostics, LLC DBA Color Health
Classification: Uncertain significance for Hereditary cancer-predisposing syndrome. Last evaluated: 2023-02-15. Review status: criteria provided, single submitter. Criteria: ACMG Guidelines, 2015. Collection method: clinical testing. Allele origin: germline.
Comment: This missense variant replaces glutamine with histidine at codon 1155 of the MSH6 protein. Computational prediction suggests that this variant may have deleterious impact on protein structure and function (internally defined REVEL score threshold >= 0.7, PMID: 27666373). To our knowledge, functional studies have not been reported for this variant. This variant has not been reported in individuals affected with MSH6-related disorders in the literature. This variant has been identified in 1/251400 chromosomes in the general population by the Genome Aggregation Database (gnomAD). The available evidence is insufficient to determine the role of this variant in disease conclusively. Therefore, this variant is classified as a Variant of Uncertain Significance.

PreventionGenetics, part of Exact Sciences
Classification: Uncertain significance for MSH6-related condition. Last evaluated: 2022-10-18. Review status: criteria provided, single submitter. Criteria: ACMG Guidelines, 2015. Collection method: clinical testing. Allele origin: germline.
Comment: The MSH6 c.3465G>C variant is predicted to result in the amino acid substitution p.Gln1155His. To our knowledge, this variant has not been reported in the literature. This variant is reported in 0.00088% of alleles in individuals of European (Non-Finnish) descent in gnomAD and has been interpreted as uncertain in ClinVar. At this time, the clinical significance of this variant is uncertain due to the absence of conclusive functional and genetic evidence.

NM_000179.3(MSH6):c.3465G>C (p.Gln1155His)

Gene: MSH6 (mutS homolog 6; plus strand). Cytogenetic location: 2p16.3.
Variant type: single nucleotide variant.
Coding change: c.3465G>C on transcript NM_000179.3 (MANE Select); coding-DNA position 3465, G replaced by C.
Protein change: p.Gln1155His; replaces glutamine 1155 with histidine.
Molecular consequence: missense variant.
Genome position (GRCh38, 1-based): chr2:47,804,936, G>C. VCF-style: chr2-47804936-G-C. GRCh37 (hg19) VCF-style: chr2-48032075-G-C.
Other names: c.3075G>C, p.Gln1025His (NM_001281492.2); c.2559G>C, p.Gln853His (NM_001281493.2, NM_001281494.2); short protein forms Q1155H, Q853H, Q1025H.
Identifiers: ClinVar variation 455264 (VCV000455264.12), dbSNP rs766817979, ClinGen allele CA071006.